The following is an entry in ClinVar:

NM_001134407.3(GRIN2A):c.*6149C>G

Gene: GRIN2A (glutamate ionotropic receptor NMDA type subunit 2A; minus strand). Cytogenetic location: 16p13.2.
Variant type: single nucleotide variant.
Coding change: c.*6149C>G on transcript NM_001134407.3 (MANE Select); 6149 bases downstream of the stop codon, C replaced by G.
Molecular consequence: 3 prime UTR variant.
Genome position (GRCh38, 1-based): chr16:9,757,000, G>C on the plus strand (C>G on the coding strand, the complement: GRIN2A is on the minus strand). VCF-style: chr16-9757000-G-C. GRCh37 (hg19) VCF-style: chr16-9850857-G-C.
Other names: c.*6149C>G (NM_000833.5); c.*6355C>G (NM_001134408.2).
Identifiers: ClinVar variation 321514 (VCV000321514.6), dbSNP rs9940680, ClinGen allele CA10644725.

ClinVar aggregate classification (germline): Benign. Review status: criteria provided, multiple submitters, no conflicts (2 of 4 stars). 2 submissions from 2 submitters: Benign (2). Last evaluated 2018-01-13.

Conditions:
Landau-Kleffner syndrome (FESD). Also called: EPILEPSY, FOCAL, WITH SPEECH DISORDER AND WITH OR WITHOUT MENTAL RETARDATION; APHASIA, ACQUIRED, WITH EPILEPSY. Identifiers: Orphanet 1945, Orphanet 725, Orphanet 98818, MedGen C0282512, MONDO:0009509, OMIM 245570.

Allele frequency attached by ClinVar (database versions not stated): 1000 Genomes Project 30x 0.41302; 1000 Genomes Project 0.41633; TOPMed 0.39792; gnomAD exomes 0.43732; gnomAD 0.40187 and 0.40775.
gnomAD v4.1: 81,594 of 196,656 alleles (41%); highest among the groups gnomAD compares: South Asian, 55%; 17,328 homozygotes.

Submissions (2):

Illumina Laboratory Services, Illumina
Classification: Benign for Landau-Kleffner syndrome. Last evaluated: 2018-01-13. Review status: criteria provided, single submitter. Criteria: ICSL Variant Classification Criteria 13 December 2019. Collection method: clinical testing. Allele origin: germline.
Comment: This variant was observed in the ICSL laboratory as part of a predisposition screen in an ostensibly healthy population. It had not been previously curated by ICSL or reported in the Human Gene Mutation Database (HGMD: prior to June 1st, 2018), and was therefore a candidate for classification through an automated scoring system. Utilizing variant allele frequency, disease prevalence and penetrance estimates, and inheritance mode, an automated score was calculated to assess if this variant is too frequent to cause the disease. Based on the score and internal cut-off values, a variant classified as benign is not then subjected to further curation. The score for this variant resulted in a classification of benign for this disease.

Breakthrough Genomics
Classification: Benign. Review status: criteria provided, single submitter. Criteria: ACMG Guidelines, 2015. Collection method: not provided. Allele origin: germline. Inheritance: Autosomal dominant inheritance. Affected: yes.